The following is an entry in ClinVar:

NM_173728.4(ARHGEF15):c.1210G>A (p.Ala404Thr)

Gene: ARHGEF15 (Rho guanine nucleotide exchange factor 15; plus strand). Cytogenetic location: 17p13.1.
Variant type: single nucleotide variant.
Coding change: c.1210G>A on transcript NM_173728.4 (MANE Select); coding-DNA position 1210, G replaced by A.
Protein change: p.Ala404Thr; replaces alanine 404 with threonine.
Molecular consequence: missense variant.
Genome position (GRCh38, 1-based): chr17:8,315,227, G>A. VCF-style: chr17-8315227-G-A. GRCh37 (hg19) VCF-style: chr17-8218545-G-A.
Other names: c.1210G>A, p.Ala404Thr (NM_025014.2); short protein forms A404T.
Identifiers: ClinVar variation 4761312 (VCV004761312.1).
Genomic context (GRCh38, chr17:8,315,227, plus strand): 5'-ACCTTCCCACGACCCCCTGGACCTCGCAACACCCTGTGGCAGGAGCTTCCGGCTGTGCAA[G>A]CCAGCGGTCTTCTGGATACCCTCAGCCCCCAGGAGAGGCGCATGCAGGAGGTGGGAGCTG-3'
Protein context (NP_776089.2, residues 394-414): TLWQELPAVQ[Ala404Thr]SGLLDTLSPQ

ClinVar aggregate classification (germline): Uncertain significance (1 of 4 stars; one submission).

Conditions:
Early-infantile DEE. Also called: Early infantile epileptic encephalopathy with suppression bursts; Early infantile epileptic encephalopathy; Ohtahara syndrome. Identifiers: Orphanet 1934, MedGen C0393706, MONDO:0800491.

Submission:

Labcorp Genetics (formerly Invitae), Labcorp
Classification: Uncertain significance for Early-infantile DEE. Last evaluated: 2025-07-30. Review status: criteria provided, single submitter. Criteria: Invitae Variant Classification Sherloc (09022015). Collection method: clinical testing. Allele origin: germline.
Comment: This sequence change replaces alanine, which is neutral and non-polar, with threonine, which is neutral and polar, at codon 404 of the ARHGEF15 protein (p.Ala404Thr). This variant is present in population databases (no rsID available, gnomAD 0.0009%). This variant has not been reported in the literature in individuals affected with ARHGEF15-related conditions. An algorithm developed to predict the effect of missense changes on protein structure and function outputs the following: PolyPhen-2: "Benign". The threonine amino acid residue is found in multiple mammalian species, which suggests that this missense change does not adversely affect protein function. In summary, the available evidence is currently insufficient to determine the role of this variant in disease. Therefore, it has been classified as a Variant of Uncertain Significance.